The following is an entry in ClinVar:

NM_152468.5(TMC8):c.899T>A (p.Leu300Gln)

Gene: TMC8 (transmembrane channel like 8; plus strand). Cytogenetic location: 17q25.3.
Variant type: single nucleotide variant.
Coding change: c.899T>A on transcript NM_152468.5 (MANE Select); coding-DNA position 899, T replaced by A.
Protein change: p.Leu300Gln; replaces leucine 300 with glutamine.
Molecular consequence: missense variant.
Genome position (GRCh38, 1-based): chr17:78,134,476, T>A. VCF-style: chr17-78134476-T-A. GRCh37 (hg19) VCF-style: chr17-76130557-T-A.
Other names: c.899T>A (NM_152468.4); short protein forms L300Q.
Identifiers: ClinVar variation 1393705 (VCV001393705.9), dbSNP rs2145662736, ClinGen allele CA401245027.

ClinVar aggregate classification (germline): Uncertain significance. Review status: criteria provided, multiple submitters, no conflicts (2 of 4 stars). 2 submissions from 2 submitters: Uncertain significance (2). Last evaluated 2025-07-15.

Conditions:
Epidermodysplasia verruciformis. Identifiers: Orphanet 302, MedGen C0014522, MONDO:0009176.
Inborn genetic diseases. Identifiers: MedGen C0950123, MeSH D030342.

Submissions (2):

Ambry Genetics
Classification: Uncertain significance for Inborn genetic diseases. Last evaluated: 2025-07-15. Review status: criteria provided, single submitter. Criteria: Ambry Variant Classification Scheme 2023. Collection method: clinical testing. Allele origin: germline.

Labcorp Genetics (formerly Invitae), Labcorp
Classification: Uncertain significance for Epidermodysplasia verruciformis. Last evaluated: 2021-03-31. Review status: criteria provided, single submitter. Criteria: Invitae Variant Classification Sherloc (09022015). Collection method: clinical testing. Allele origin: germline.
Comment: In summary, the available evidence is currently insufficient to determine the role of this variant in disease. Therefore, it has been classified as a Variant of Uncertain Significance. Algorithms developed to predict the effect of sequence changes on RNA splicing suggest that this variant may create or strengthen a splice site, but this prediction has not been confirmed by published transcriptional studies. Algorithms developed to predict the effect of missense changes on protein structure and function are either unavailable or do not agree on the potential impact of this missense change (SIFT: "Deleterious"; PolyPhen-2: "Probably Damaging"; Align-GVGD: "Class C0"). This variant has not been reported in the literature in individuals with TMC8-related conditions. This variant is not present in population databases (ExAC no frequency). This sequence change replaces leucine with glutamine at codon 300 of the TMC8 protein (p.Leu300Gln). The leucine residue is weakly conserved and there is a moderate physicochemical difference between leucine and glutamine.